The following is an entry in ClinVar:

NM_000760.4(CSF3R):c.686C>A (p.Pro229His)

Gene: CSF3R (colony stimulating factor 3 receptor; minus strand). Cytogenetic location: 1p34.3.
Variant type: single nucleotide variant.
Coding change: c.686C>A on transcript NM_000760.4 (MANE Select); coding-DNA position 686, C replaced by A.
Protein change: p.Pro229His; replaces proline 229 with histidine.
Molecular consequence: missense variant.
Genome position (GRCh38, 1-based): chr1:36,472,674, G>T on the plus strand (C>A on the coding strand, the complement: CSF3R is on the minus strand). VCF-style: chr1-36472674-G-T. GRCh37 (hg19) VCF-style: chr1-36938275-G-T.
Other names: c.686C>A, p.Pro229His (LRG_144t1, NM_156039.3, NM_172313.3); short protein forms P229H.
Identifiers: ClinVar variation 570209 (VCV000570209.8), dbSNP rs764202764, ClinGen allele CA20749226.
Genomic context (GRCh38, chr1:36,472,674, plus strand): 5'-AGGCAGCCTGCCTGGGGAGGGGCCGCTTCAGGGCTGGGGTCCATGGTCCGCAGCATGGGG[G>T]GCTCCAGTTTCACTGCAAGGAGTGGGGCTGTCAGAAGGTCTCCCTATCCCACCCTAGAGG-3'
Protein context (NP_000751.1, residues 219-239): LDPMDVVKLE[Pro229His]PMLRTMDPSP

ClinVar aggregate classification (germline): Uncertain significance. Review status: criteria provided, multiple submitters, no conflicts (2 of 4 stars). 3 submissions from 3 submitters: Uncertain significance (3). Last evaluated 2025-08-03.

Conditions:
Autosomal recessive severe congenital neutropenia due to CSF3R deficiency. Also called: Neutropenia, severe congenital, 7, autosomal recessive. Identifiers: Orphanet 420702, MedGen C4310764, MONDO:0014865, OMIM 617014.

Allele frequency attached by ClinVar (database versions not stated): gnomAD 0.00001 and 0.00002; gnomAD exomes 0.00001 and 0.00003; TOPMed 0.00003.
gnomAD v4.1: 52 of 1,599,754 alleles (0.0033%); highest among the groups gnomAD compares: Middle Eastern, 0.021%; no homozygotes.

Submissions (3):

Labcorp Genetics (formerly Invitae), Labcorp
Classification: Uncertain significance for Autosomal recessive severe congenital neutropenia due to CSF3R deficiency. Last evaluated: 2025-08-03. Review status: criteria provided, single submitter. Criteria: Invitae Variant Classification Sherloc (09022015). Collection method: clinical testing. Allele origin: germline.
Comment: This sequence change replaces proline, which is neutral and non-polar, with histidine, which is basic and polar, at codon 229 of the CSF3R protein (p.Pro229His). This variant is present in population databases (rs764202764, gnomAD 0.01%). This missense change has been observed in individual(s) with severe congenital neutropenia (PMID: 10449521). This variant is also known as 850C>A or Pro206His. ClinVar contains an entry for this variant (Variation ID: 570209). Invitae Evidence Modeling of protein sequence and biophysical properties (such as structural, functional, and spatial information, amino acid conservation, physicochemical variation, residue mobility, and thermodynamic stability) indicates that this missense variant is expected to disrupt CSF3R protein function with a positive predictive value of 80%. Experimental studies have shown that this missense change affects CSF3R function (PMID: 10449521). In summary, the available evidence is currently insufficient to determine the role of this variant in disease. Therefore, it has been classified as a Variant of Uncertain Significance.

Blueprint Genetics
Classification: Uncertain significance. Last evaluated: 2022-02-24. Review status: criteria provided, single submitter. Criteria: ACMG Guidelines, 2015. Collection method: clinical testing. Allele origin: germline.

Breakthrough Genomics
Classification: Uncertain significance. Review status: criteria provided, single submitter. Criteria: ACMG Guidelines, 2015. Collection method: not provided. Allele origin: germline. Inheritance: Autosomal recessive inheritance. Affected: yes.

Literature cited by the submitters: PubMed 10449521 (cited by Labcorp Genetics (formerly Invitae), Labcorp).